The following is an entry in ClinVar:

NM_000548.5(TSC2):c.4833C>T (p.His1611=)

Gene: TSC2 (TSC complex subunit 2; plus strand). Cytogenetic location: 16p13.3.
Variant type: single nucleotide variant.
Coding change: c.4833C>T on transcript NM_000548.5 (MANE Select); coding-DNA position 4833, C replaced by T.
Protein change: p.His1611=; no amino-acid change (histidine 1611 retained).
Molecular consequence: synonymous variant.
Genome position (GRCh38, 1-based): chr16:2,086,363, C>T. VCF-style: chr16-2086363-C-T. GRCh37 (hg19) VCF-style: chr16-2136364-C-T.
Other names: c.4632C>T, p.His1544= (NM_001077183.3); c.4764C>T, p.His1588= (NM_001114382.3); c.4524C>T, p.His1508= (NM_001318827.2); c.4488C>T, p.His1496= (NM_001318829.2); c.4101C>T, p.His1367= (NM_001318831.2); c.4665C>T, p.His1555= (NM_001318832.2); c.4635C>T, p.His1545= (NM_001363528.2); c.4701C>T, p.His1567= (NM_001370404.1); and 2 more.
Identifiers: ClinVar variation 413707 (VCV000413707.25), dbSNP rs765271161, ClinGen allele CA052694.

ClinVar aggregate classification (germline): Benign/Likely benign. Review status: criteria provided, multiple submitters, no conflicts (2 of 4 stars). 8 submissions from 8 submitters: Benign (2); Likely benign (6). Last evaluated 2026-07-22.

Conditions:
TSC2-related disorder. Also called: TSC2-Related Disorders; TSC2-related condition.
Hereditary cancer-predisposing syndrome. Also called: Hereditary Cancer Syndrome; Tumor predisposition; Hereditary neoplastic syndrome; Neoplastic Syndromes, Hereditary. Identifiers: Orphanet 140162, MedGen C0027672, MeSH D009386, MONDO:0015356.
Tuberous sclerosis 2 (TSC2). Identifiers: Orphanet 805, MedGen C1860707, MONDO:0013199, OMIM 613254.

Allele frequency attached by ClinVar (database versions not stated): gnomAD 0.00001; gnomAD exomes 0.00001 and below 0.00001; TOPMed 0.00002; ExAC 0.00001.
gnomAD v4.1: 11 of 1,612,658 alleles (0.00068%); highest among the groups gnomAD compares: East Asian, 0.0022%; no homozygotes.

Submissions (8):

PreventionGenetics, part of Exact Sciences
Classification: Likely benign for TSC2-related condition. Last evaluated: 2026-07-22. Review status: criteria provided, single submitter. Criteria: ACMG Guidelines, 2015. Collection method: clinical testing. Allele origin: germline.
Comment: This variant is classified as likely benign based on ACMG/AMP sequence variant interpretation guidelines (Richards et al. 2015 PMID: 25741868, with internal and published modifications).

Labcorp Genetics (formerly Invitae), Labcorp
Classification: Likely benign for Tuberous sclerosis 2. Last evaluated: 2026-01-20. Review status: criteria provided, single submitter. Criteria: Invitae Variant Classification Sherloc (09022015). Collection method: clinical testing. Allele origin: germline.

Myriad Genetics, Inc.
Classification: Benign for Tuberous sclerosis 2. Last evaluated: 2025-06-05. Review status: criteria provided, single submitter. Criteria: Myriad Autosomal Dominant, Autosomal Recessive and X-Linked Classification Criteria (2023). Collection method: clinical testing. Allele origin: unknown.
Comment: This variant is considered benign. This variant is a silent/synonymous amino acid change and it is not expected to impact splicing.

Sema4
Classification: Likely benign for Hereditary cancer-predisposing syndrome. Last evaluated: 2022-01-21. Review status: criteria provided, single submitter. Criteria: Sema4 Curation Guidelines. Collection method: curation. Allele origin: germline.

Genome-Nilou Lab
Classification: Benign for Tuberous sclerosis 2. Last evaluated: 2021-11-07. Review status: criteria provided, single submitter. Criteria: ACMG Guidelines, 2015. Collection method: clinical testing. Allele origin: germline. Affected: no.

Blueprint Genetics
Classification: Likely benign. Last evaluated: 2020-11-10. Review status: criteria provided, single submitter. Criteria: ACMG Guidelines, 2015. Collection method: clinical testing. Allele origin: germline.

GeneDx
Classification: Likely benign. Last evaluated: 2019-01-21. Review status: criteria provided, single submitter. Criteria: GeneDx Variant Classification Process June 2021. Collection method: clinical testing. Allele origin: germline. Affected: yes.

Ambry Genetics
Classification: Likely benign for Hereditary cancer-predisposing syndrome. Last evaluated: 2016-10-12. Review status: criteria provided, single submitter. Criteria: Ambry Variant Classification Scheme 2023. Collection method: clinical testing. Allele origin: germline.